The following is an entry in ClinVar:

NM_001382273.1(TNK2):c.80G>A (p.Arg27Gln)

Gene: TNK2 (tyrosine kinase non receptor 2; minus strand). Cytogenetic location: 3q29.
Variant type: single nucleotide variant.
Coding change: c.80G>A on transcript NM_001382273.1 (MANE Select); coding-DNA position 80, G replaced by A.
Protein change: p.Arg27Gln; replaces arginine 27 with glutamine.
Molecular consequence: missense variant. On other transcripts: non-coding transcript variant (15).
Genome position (GRCh38, 1-based): chr3:195,888,509, C>T on the plus strand (G>A on the coding strand, the complement: TNK2 is on the minus strand). VCF-style: chr3-195888509-C-T. GRCh37 (hg19) VCF-style: chr3-195615380-C-T.
Other names: c.80G>A, p.Arg27Gln (NM_001386164.1, NM_001387709.1, NM_001387710.1 and 12 more transcripts); c.176G>A, p.Arg59Gln (NM_001387707.1, NM_001308046.2, NM_001382271.1 and 1 more transcripts); c.152G>A, p.Arg51Gln (NM_001387708.1, NM_001387715.1, NM_001010938.2 and 1 more transcripts); short protein forms R59Q, R51Q, R27Q.
Identifiers: ClinVar variation 3692187 (VCV003692187.2).

ClinVar aggregate classification (germline): Uncertain significance (1 of 4 stars; one submission).

Submission:

Labcorp Genetics (formerly Invitae), Labcorp
Classification: Uncertain significance. Last evaluated: 2025-08-14. Review status: criteria provided, single submitter. Criteria: Invitae Variant Classification Sherloc (09022015). Collection method: clinical testing. Allele origin: germline.
Comment: This sequence change replaces arginine, which is basic and polar, with glutamine, which is neutral and polar, at codon 90 of the TNK2 protein (p.Arg90Gln). This variant is present in population databases (rs776967843, gnomAD 0.009%). This variant has not been reported in the literature in individuals affected with TNK2-related conditions. ClinVar contains an entry for this variant (Variation ID: 3692187). An algorithm developed to predict the effect of missense changes on protein structure and function (PolyPhen-2) suggests that this variant is likely to be disruptive. In summary, the available evidence is currently insufficient to determine the role of this variant in disease. Therefore, it has been classified as a Variant of Uncertain Significance.